The following is an entry in ClinVar:

NM_014694.4(ADAMTSL2):c.939+11C>T

Gene: ADAMTSL2 (ADAMTS like 2; plus strand). Cytogenetic location: 9q34.2.
Variant type: single nucleotide variant.
Coding change: c.939+11C>T on transcript NM_014694.4 (MANE Select); 11 bases into the intron after coding-DNA position 939, C replaced by T.
Molecular consequence: intron variant.
Genome position (GRCh38, 1-based): chr9:133,547,224, C>T. VCF-style: chr9-133547224-C-T. GRCh37 (hg19) VCF-style: chr9-136412346-C-T.
Other names: c.939+11C>T (NM_001145320.2).
Identifiers: ClinVar variation 365585 (VCV000365585.14), dbSNP rs2073878, ClinGen allele CA5312800.

ClinVar aggregate classification (germline): Benign. Review status: criteria provided, multiple submitters, no conflicts (2 of 4 stars). 9 submissions from 9 submitters: Benign (6). 3 of the submissions do not count toward it. Last evaluated 2026-05-08.

Conditions:
Geleophysic dysplasia 1 (GPHYSD1). Also called: Geleophysic dwarfism. Identifiers: Orphanet 2623, MedGen C3278147, MONDO:0009269, OMIM 231050.

Allele frequency attached by ClinVar (database versions not stated): 1000 Genomes Project 0.72045; 1000 Genomes Project 30x 0.73017; gnomAD exomes 0.81161 and 0.88528; ExAC 0.81809; TOPMed 0.83001; gnomAD 0.84376 and 0.85229; ESP Exome Variant Server 0.87498.
gnomAD v4.1: 1,419,571 of 1,611,754 alleles (88%); highest among the groups gnomAD compares: Non-Finnish European, 92%; 632,942 homozygotes.

Submissions (9):

Women's Health and Genetics/Laboratory Corporation of America, LabCorp
Classification: Benign. Last evaluated: 2026-05-08. Review status: criteria provided, single submitter. Criteria: LabCorp Variant Classification Summary - May 2015. Collection method: clinical testing. Allele origin: germline.

Blueprint Genetics
Classification: Benign. Last evaluated: 2024-11-27. Review status: criteria provided, single submitter. Criteria: ACMG Guidelines, 2015. Collection method: clinical testing. Allele origin: germline.

Genome-Nilou Lab
Classification: Benign for Geleophysic dysplasia 1. Last evaluated: 2021-07-14. Review status: criteria provided, single submitter. Criteria: ACMG Guidelines, 2015. Collection method: clinical testing. Allele origin: germline. Affected: no.

GeneDx
Classification: Benign. Last evaluated: 2018-06-19. Review status: criteria provided, single submitter. Criteria: GeneDx Variant Classification (06012015). Collection method: clinical testing. Allele origin: germline. Affected: yes.
Comment: This variant is considered likely benign or benign based on one or more of the following criteria: it is a conservative change, it occurs at a poorly conserved position in the protein, it is predicted to be benign by multiple in silico algorithms, and/or has population frequency not consistent with disease.

Illumina Laboratory Services, Illumina
Classification: Benign for Geleophysic dysplasia 1. Last evaluated: 2018-01-13. Review status: criteria provided, single submitter. Criteria: ICSL Variant Classification Criteria 13 December 2019. Collection method: clinical testing. Allele origin: germline.
Comment: This variant was observed in the ICSL laboratory as part of a predisposition screen in an ostensibly healthy population. It had not been previously curated by ICSL or reported in the Human Gene Mutation Database (HGMD: prior to June 1st, 2018), and was therefore a candidate for classification through an automated scoring system. Utilizing variant allele frequency, disease prevalence and penetrance estimates, and inheritance mode, an automated score was calculated to assess if this variant is too frequent to cause the disease. Based on the score and internal cut-off values, a variant classified as benign is not then subjected to further curation. The score for this variant resulted in a classification of benign for this disease.

Breakthrough Genomics
Classification: Benign. Review status: criteria provided, single submitter. Criteria: ACMG Guidelines, 2015. Collection method: not provided. Allele origin: germline. Inheritance: Autosomal recessive inheritance. Affected: yes.

Diagnostic Laboratory, Department of Genetics, University Medical Center Groningen
Classification: Benign for Geleophysic dysplasia 1. Review status: no assertion criteria provided. Collection method: clinical testing. Allele origin: germline. Affected: yes. Study: VKGL Data-share Consensus. Not counted in ClinVar's aggregate classification.

Genome Diagnostics Laboratory, Amsterdam University Medical Center
Classification: Benign. Review status: no assertion criteria provided. Collection method: clinical testing. Allele origin: germline. Affected: yes. Study: VKGL Data-share Consensus. Not counted in ClinVar's aggregate classification.

Joint Genome Diagnostic Labs from Nijmegen and Maastricht, Radboudumc and MUMC+
Classification: Benign. Review status: no assertion criteria provided. Collection method: clinical testing. Allele origin: germline. Affected: yes. Study: VKGL Data-share Consensus. Not counted in ClinVar's aggregate classification.